The following is an entry in ClinVar:

NM_001846.4(COL4A2):c.1658T>C (p.Ile553Thr)

Genes: COL4A2 (collagen type IV alpha 2 chain; plus strand), COL4A2-AS2 (COL4A2 antisense RNA 2; minus strand). Cytogenetic location: 13q34.
Variant type: single nucleotide variant.
Coding change: c.1658T>C on transcript NM_001846.4 (MANE Select); coding-DNA position 1658, T replaced by C.
Protein change: p.Ile553Thr; replaces isoleucine 553 with threonine.
Molecular consequence: missense variant.
Genome position (GRCh38, 1-based): chr13:110,462,175, T>C. VCF-style: chr13-110462175-T-C. GRCh37 (hg19) VCF-style: chr13-111114522-T-C.
Other names: short protein forms I553T.
Identifiers: ClinVar variation 1316867 (VCV001316867.3), dbSNP rs2139498877, ClinGen allele CA388738549.

ClinVar aggregate classification (germline): Uncertain significance (1 of 4 stars; one submission).

Submission:

GeneDx
Classification: Uncertain significance. Last evaluated: 2022-07-25. Review status: criteria provided, single submitter. Criteria: GeneDx Variant Classification Process June 2021. Collection method: clinical testing. Allele origin: germline. Affected: yes.
Comment: Has not been previously published as pathogenic or benign to our knowledge; Not observed in large population cohorts (gnomAD); In silico analysis supports that this missense variant does not alter protein structure/function